The following is an entry in ClinVar:

NM_016269.5(LEF1):c.584C>G (p.Thr195Ser)

Gene: LEF1 (lymphoid enhancer binding factor 1; minus strand). Cytogenetic location: 4q25.
Variant type: single nucleotide variant.
Coding change: c.584C>G on transcript NM_016269.5 (MANE Select); coding-DNA position 584, C replaced by G.
Protein change: p.Thr195Ser; replaces threonine 195 with serine.
Molecular consequence: missense variant.
Genome position (GRCh38, 1-based): chr4:108,083,410, G>C on the plus strand (C>G on the coding strand, the complement: LEF1 is on the minus strand). VCF-style: chr4-108083410-G-C. GRCh37 (hg19) VCF-style: chr4-109004566-G-C.
Other names: c.584C>G, p.Thr195Ser (NM_001130713.3, NM_001130714.3); c.380C>G, p.Thr127Ser (NM_001166119.2); short protein forms T127S, T195S.
Identifiers: ClinVar variation 1049799 (VCV001049799.1), dbSNP rs1442283587, ClinGen allele CA357840426.

ClinVar aggregate classification (germline): Uncertain significance (0 of 4 stars; one submission).

Allele frequency attached by ClinVar (database versions not stated): gnomAD 0.00001; TOPMed 0.00001.
gnomAD v4.1: 3 of 1,613,668 alleles (0.00019%); highest among the groups gnomAD compares: Non-Finnish European, 0.00025%; no homozygotes.

Submission:

Department of Pathology and Laboratory Medicine, Sinai Health System
Classification: Uncertain significance. Review status: no assertion criteria provided. Collection method: clinical testing. Allele origin: unknown. Affected: yes. Study: The Canadian Open Genetics Repository (COGR).
Comment: The LEF1 p.Thr195Ser variant was not identified in the literature nor was it identified in ClinVar, Cosmic or LOVD 3.0. The variant was identified in dbSNP (ID: rs1442283587) but was not identified in the following control databases: the 1000 Genomes Project, the NHLBI GO Exome Sequencing Project, the Exome Aggregation Consortium (August 8th 2016), or the Genome Aggregation Database (Feb 27, 2017). The p.Thr195 residue is conserved in mammals but not in more distantly related organisms however computational analyses (PolyPhen-2, SIFT, AlignGVGD, BLOSUM) do not suggest a high likelihood of impact to the protein; this information is not predictive enough to rule out pathogenicity. The variant occurs outside of the splicing consensus sequence and 3 of 4 in silico or computational prediction software programs (SpliceSiteFinder, NNSPLICE, GeneSplicer) do not predict a difference in splicing. In summary, based on the above information the clinical significance of this variant cannot be determined with certainty at this time. This variant is classified as a variant of uncertain significance.